The following is an entry in ClinVar:

ClinVar aggregate classification (germline): Conflicting classifications of pathogenicity. Review status: criteria provided, conflicting classifications (1 of 4 stars). 3 submissions from 3 submitters: Likely pathogenic (2); Uncertain significance (1). Last evaluated 2026-01-28.

Conditions:
Auditory neuropathy. Identifiers: MedGen C1852271, MONDO:0021944.
Perrault syndrome 5 (PRLTS5). Identifiers: Orphanet 2855, MedGen C4015307, MONDO:0014504, OMIM 616138.
Infantile onset spinocerebellar ataxia (MTDPS7). Also called: OHAHA SYNDROME; SPINOCEREBELLAR ATAXIA, INFANTILE, WITH SENSORY NEUROPATHY; Mitochondrial DNA depletion syndrome 7 (hepatocerebral type); OPHTHALMOPLEGIA, HYPOTONIA, ATAXIA, HYPOACUSIS, AND ATHETOSIS. Identifiers: Orphanet 1186, MedGen C1849096, MONDO:0010060, OMIM 271245.

Allele frequency attached by ClinVar (database versions not stated): ExAC 0.00001; gnomAD exomes 0.00001.
gnomAD v4.1: 9 of 1,614,108 alleles (0.00056%); highest among the groups gnomAD compares: Non-Finnish European, 0.00076%; no homozygotes.

Submissions (3):

GeneDx
Classification: Uncertain significance. Last evaluated: 2026-01-28. Review status: criteria provided, single submitter. Criteria: GeneDx Variant Classification Process June 2021. Collection method: clinical testing. Allele origin: germline.
Comment: Not observed at significant frequency in large population cohorts (gnomAD); In silico analysis supports that this missense variant has a deleterious effect on protein structure/function; This variant is associated with the following publications: (PMID: 39936838, 38027523, 39327950, 38456936, 39780253)

First Genomix Gene Laboratory, Genetic Diagnostics Department
Classification: Likely pathogenic for Infantile onset spinocerebellar ataxia; Perrault syndrome 5. Last evaluated: 2025-08-06. Review status: criteria provided, single submitter. Criteria: ACMG Guidelines, 2015. Collection method: clinical testing. Allele origin: germline. Inheritance: Autosomal recessive inheritance. Affected: no. Observed: 1 variant allele.

WangQJ Lab, Chinese People's Liberation Army General Hospital
Classification: Likely pathogenic for Auditory neuropathy. Last evaluated: 2023-12-22. Review status: criteria provided, single submitter. Criteria: Submitter's publication. Collection method: research. Allele origin: germline. Affected: yes. Observed: 1 variant allele.

NM_021830.5(TWNK):c.1217G>A (p.Arg406Gln)

Gene: TWNK (twinkle mtDNA helicase; plus strand). Cytogenetic location: 10q24.31.
Variant type: single nucleotide variant.
Coding change: c.1217G>A on transcript NM_021830.5 (MANE Select); coding-DNA position 1217, G replaced by A.
Protein change: p.Arg406Gln; replaces arginine 406 with glutamine.
Molecular consequence: missense variant. On other transcripts: non-coding transcript variant (4), intron variant (3).
Genome position (GRCh38, 1-based): chr10:100,989,427, G>A. VCF-style: chr10-100989427-G-A. GRCh37 (hg19) VCF-style: chr10-102749184-G-A.
Other names: c.1217G>A, p.Arg406Gln (NM_001163812.2); c.-119-217G>A (NM_001163814.2, NM_001163813.2); c.-57-279G>A (NM_001368275.1); c.1217G>A (NM_021830.4); short protein forms R406Q.
Identifiers: ClinVar variation 2683869 (VCV002683869.3), dbSNP rs756073260, ClinGen allele CA5653179.